The following is an entry in ClinVar:

NM_152618.3(BBS12):c.335T>C (p.Ile112Thr)

Gene: BBS12 (Bardet-Biedl syndrome 12; plus strand). Cytogenetic location: 4q27.
Variant type: single nucleotide variant.
Coding change: c.335T>C on transcript NM_152618.3 (MANE Select); coding-DNA position 335, T replaced by C.
Protein change: p.Ile112Thr; replaces isoleucine 112 with threonine.
Molecular consequence: missense variant.
Genome position (GRCh38, 1-based): chr4:122,742,227, T>C. VCF-style: chr4-122742227-T-C. GRCh37 (hg19) VCF-style: chr4-123663382-T-C.
Other names: c.335T>C, p.Ile112Thr (NM_001178007.2); short protein forms I112T.
Identifiers: ClinVar variation 4198698 (VCV004198698.2).

ClinVar aggregate classification (germline): Uncertain significance. Review status: criteria provided, multiple submitters, no conflicts (2 of 4 stars). 2 submissions from 2 submitters: Uncertain significance (2). Last evaluated 2025-09-30.

Conditions:
Inborn genetic diseases. Identifiers: MedGen C0950123, MeSH D030342.
Bardet-Biedl syndrome (BBS). Identifiers: Orphanet 110, MedGen C0752166, MONDO:0015229.

Submissions (2):

Labcorp Genetics (formerly Invitae), Labcorp
Classification: Uncertain significance for Bardet-Biedl syndrome. Last evaluated: 2025-09-30. Review status: criteria provided, single submitter. Criteria: Invitae Variant Classification Sherloc (09022015). Collection method: clinical testing. Allele origin: germline.
Comment: This sequence change replaces isoleucine, which is neutral and non-polar, with threonine, which is neutral and polar, at codon 112 of the BBS12 protein (p.Ile112Thr). This variant is present in population databases (no rsID available, gnomAD 0.01%). This variant has not been reported in the literature in individuals affected with BBS12-related conditions. Invitae Evidence Modeling of protein sequence and biophysical properties (such as structural, functional, and spatial information, amino acid conservation, physicochemical variation, residue mobility, and thermodynamic stability) indicates that this missense variant is expected to disrupt BBS12 protein function with a positive predictive value of 80%. In summary, the available evidence is currently insufficient to determine the role of this variant in disease. Therefore, it has been classified as a Variant of Uncertain Significance.

Ambry Genetics
Classification: Uncertain significance for Inborn genetic diseases. Last evaluated: 2025-06-18. Review status: criteria provided, single submitter. Criteria: Ambry Variant Classification Scheme 2023. Collection method: clinical testing. Allele origin: germline.